The following is an entry in ClinVar:

NM_004946.3(DOCK2):c.4178C>T (p.Ala1393Val)

Gene: DOCK2 (dedicator of cytokinesis 2; plus strand). Cytogenetic location: 5q35.1.
Variant type: single nucleotide variant.
Coding change: c.4178C>T on transcript NM_004946.3 (MANE Select); coding-DNA position 4178, C replaced by T.
Protein change: p.Ala1393Val; replaces alanine 1393 with valine.
Molecular consequence: missense variant. On other transcripts: non-coding transcript variant (1).
Genome position (GRCh38, 1-based): chr5:170,050,362, C>T. VCF-style: chr5-170050362-C-T. GRCh37 (hg19) VCF-style: chr5-169477366-C-T.
Other names: c.4178C>T (NM_004946.2); short protein forms A1393V.
Identifiers: ClinVar variation 1359069 (VCV001359069.9), dbSNP rs765863592, ClinGen allele CA3554449.

ClinVar aggregate classification (germline): Uncertain significance. Review status: criteria provided, multiple submitters, no conflicts (2 of 4 stars). 2 submissions from 2 submitters: Uncertain significance (2). Last evaluated 2025-08-20.

Conditions:
DOCK2 deficiency. Also called: Immunodeficiency 40. Identifiers: Orphanet 447737, MedGen C4225328, MONDO:0014637, OMIM 616433.
Inborn genetic diseases. Identifiers: MedGen C0950123, MeSH D030342.

Allele frequency attached by ClinVar (database versions not stated): gnomAD 0.00001; gnomAD exomes 0.00001 and 0.00002; TOPMed 0.00001; ExAC 0.00002.
gnomAD v4.1: 6 of 1,614,028 alleles (0.00037%); highest among the groups gnomAD compares: Admixed American, 0.0033%; no homozygotes.

Submissions (2):

Ambry Genetics
Classification: Uncertain significance for Inborn genetic diseases. Last evaluated: 2025-08-20. Review status: criteria provided, single submitter. Criteria: Ambry Variant Classification Scheme 2023. Collection method: clinical testing. Allele origin: germline.

Labcorp Genetics (formerly Invitae), Labcorp
Classification: Uncertain significance for DOCK2 deficiency. Last evaluated: 2021-06-09. Review status: criteria provided, single submitter. Criteria: Invitae Variant Classification Sherloc (09022015). Collection method: clinical testing. Allele origin: germline.
Comment: This sequence change replaces alanine with valine at codon 1393 of the DOCK2 protein (p.Ala1393Val). The alanine residue is moderately conserved and there is a small physicochemical difference between alanine and valine. This variant is present in population databases (rs765863592, ExAC 0.003%). This variant has not been reported in the literature in individuals with DOCK2-related conditions. Algorithms developed to predict the effect of missense changes on protein structure and function (SIFT, PolyPhen-2, Align-GVGD) all suggest that this variant is likely to be tolerated, but these predictions have not been confirmed by published functional studies and their clinical significance is uncertain. In summary, the available evidence is currently insufficient to determine the role of this variant in disease. Therefore, it has been classified as a Variant of Uncertain Significance.